The following is an entry in ClinVar:

ClinVar aggregate classification (germline): Uncertain significance (1 of 4 stars; one submission).

Allele frequency attached by ClinVar (database versions not stated): gnomAD 0.00001; gnomAD exomes 0.00001; TOPMed 0.00001; ExAC 0.00003.
gnomAD v4.1: 17 of 1,613,170 alleles (0.0011%); highest among the groups gnomAD compares: East Asian, 0.011%; no homozygotes.

Submission:

Labcorp Genetics (formerly Invitae), Labcorp
Classification: Uncertain significance. Last evaluated: 2024-02-26. Review status: criteria provided, single submitter. Criteria: Invitae Variant Classification Sherloc (09022015). Collection method: clinical testing. Allele origin: germline.
Comment: This sequence change replaces aspartic acid, which is acidic and polar, with asparagine, which is neutral and polar, at codon 603 of the CLCN6 protein (p.Asp603Asn). The frequency data for this variant in the population databases is considered unreliable, as metrics indicate poor data quality at this position in the gnomAD database. This variant has not been reported in the literature in individuals affected with CLCN6-related conditions. ClinVar contains an entry for this variant (Variation ID: 2037076). An algorithm developed to predict the effect of missense changes on protein structure and function (PolyPhen-2) suggests that this variant is likely to be disruptive. In summary, the available evidence is currently insufficient to determine the role of this variant in disease. Therefore, it has been classified as a Variant of Uncertain Significance.

NM_001286.5(CLCN6):c.1807G>A (p.Asp603Asn)

Gene: CLCN6 (chloride voltage-gated channel 6; plus strand). Cytogenetic location: 1p36.22.
Variant type: single nucleotide variant.
Coding change: c.1807G>A on transcript NM_001286.5 (MANE Select); coding-DNA position 1807, G replaced by A.
Protein change: p.Asp603Asn; replaces aspartic acid 603 with asparagine.
Molecular consequence: missense variant. On other transcripts: non-coding transcript variant (1).
Genome position (GRCh38, 1-based): chr1:11,835,980, G>A. VCF-style: chr1-11835980-G-A. GRCh37 (hg19) VCF-style: chr1-11896037-G-A.
Other names: c.1741G>A, p.Asp581Asn (NM_001256959.2); short protein forms D581N, D603N.
Identifiers: ClinVar variation 2037076 (VCV002037076.4), dbSNP rs775493905, ClinGen allele CA596629.